The following is an entry in ClinVar:

Conditions:
Breast-ovarian cancer, familial, susceptibility to, 1 (BROVCA1). Also called: BRCA1 Hereditary Breast and Ovarian Cancer; OVARIAN CANCER, SUSCEPTIBILITY TO. Identifiers: Orphanet 145, MedGen C2676676, MONDO:0011450, OMIM 604370. Disease mechanism: loss of function.

Submission:

Brotman Baty Institute, University of Washington
No classification provided (evidence only). Condition: Breast-ovarian cancer, familial 1. Review status: no classification provided. Collection method: in vitro. Allele origin: not applicable. Functional consequence: functionally_abnormal.
ClinVar note: "not provided" was previously submitted as the classification for the variant. However, the classification appeared to be based only on an observation of functional data so it was converted to no classification on 2025-07-30.

NM_007294.4(BRCA1):c.80+3A>T

Gene: BRCA1 (BRCA1 DNA repair associated; minus strand). Cytogenetic location: 17q21.31.
Variant type: single nucleotide variant.
Coding change: c.80+3A>T on transcript NM_007294.4 (MANE Select); 3 bases into the intron after coding-DNA position 80, A replaced by T.
Molecular consequence: intron variant.
Genome position (GRCh38, 1-based): chr17:43,124,014, T>A on the plus strand (A>T on the coding strand, the complement: BRCA1 is on the minus strand). VCF-style: chr17-43124014-T-A. GRCh37 (hg19) VCF-style: chr17-41276031-T-A.
Other names: c.-61-8235A>T (NM_001408458.1); c.-219+1263A>T (NM_001407967.1); c.-170+1263A>T (NM_001407959.1); c.-8+1263A>T (NM_001407931.1, NM_001407747.1); c.-224+1263A>T (NM_001407962.1, NM_001408512.1, NM_001408510.1); c.-109+1263A>T (NM_001407885.1); c.-62+1263A>T (NM_001408470.1, NM_001407848.1, NM_001407839.1 and 6 more transcripts); c.-178+1263A>T (NM_001407746.1); and 23 more.
Identifiers: ClinVar variation 865071 (VCV000865071.3), dbSNP rs1567823106, ClinGen allele CA916081113.
Genomic context (GRCh38, chr17:43,124,014, plus strand): 5'-TGTTCATTTGCATAGGAGATAATCATAGGAATCCCAAATTAATACACTCTTGTGCTGACT[T>A]ACCAGATGGGACACTCTAAGATTTTCTGCATAGCATTAATGACATTTTGTACTTCTTCAA-3'